The following is an entry in ClinVar:

NM_001830.4(CLCN4):c.1843G>C (p.Asp615His)

Gene: CLCN4 (chloride voltage-gated channel 4; plus strand). Cytogenetic location: Xp22.2.
Variant type: single nucleotide variant.
Coding change: c.1843G>C on transcript NM_001830.4 (MANE Select); coding-DNA position 1843, G replaced by C.
Protein change: p.Asp615His; replaces aspartic acid 615 with histidine.
Molecular consequence: missense variant.
Genome position (GRCh38, 1-based): chrX:10,213,947, G>C. VCF-style: chrX-10213947-G-C. GRCh37 (hg19) VCF-style: chrX-10181987-G-C.
Other names: c.1561G>C, p.Asp521His (NM_001256944.2); short protein forms D521H, D615H.
Identifiers: ClinVar variation 2837487 (VCV002837487.3), dbSNP rs750939650, ClinGen allele CA10347300.

ClinVar aggregate classification (germline): Uncertain significance (1 of 4 stars; one submission).

Allele frequency attached by ClinVar (database versions not stated): gnomAD exomes below 0.00001; ExAC 0.00001.
gnomAD v4.1: 1 of 1,212,223 alleles (0.000082%); highest among the groups gnomAD compares: South Asian, 0.0018%; no homozygotes.

Submission:

Labcorp Genetics (formerly Invitae), Labcorp
Classification: Uncertain significance. Last evaluated: 2024-03-04. Review status: criteria provided, single submitter. Criteria: Invitae Variant Classification Sherloc (09022015). Collection method: clinical testing. Allele origin: germline.
Comment: This sequence change replaces aspartic acid, which is acidic and polar, with histidine, which is basic and polar, at codon 615 of the CLCN4 protein (p.Asp615His). This variant is present in population databases (rs750939650, gnomAD 0.005%). This variant has not been reported in the literature in individuals affected with CLCN4-related conditions. Advanced modeling of protein sequence and biophysical properties (such as structural, functional, and spatial information, amino acid conservation, physicochemical variation, residue mobility, and thermodynamic stability) has been performed at Invitae for this missense variant, however the output from this modeling did not meet the statistical confidence thresholds required to predict the impact of this variant on CLCN4 protein function. In summary, the available evidence is currently insufficient to determine the role of this variant in disease. Therefore, it has been classified as a Variant of Uncertain Significance.